The following is an entry in ClinVar:

ClinVar aggregate classification (germline): Uncertain significance (1 of 4 stars; one submission).

Conditions:
Charcot-Marie-Tooth disease type 2. Also called: Charcot-Marie-Tooth type 2. Identifiers: Orphanet 64746, MedGen C0270914, MONDO:0018993.

Submission:

Labcorp Genetics (formerly Invitae), Labcorp
Classification: Uncertain significance for Charcot-Marie-Tooth disease type 2. Last evaluated: 2024-10-27. Review status: criteria provided, single submitter. Criteria: Invitae Variant Classification Sherloc (09022015). Collection method: clinical testing. Allele origin: germline.
Comment: This sequence change replaces aspartic acid, which is acidic and polar, with histidine, which is basic and polar, at codon 261 of the AARS protein (p.Asp261His). This variant is not present in population databases (gnomAD no frequency). This variant has not been reported in the literature in individuals affected with AARS-related conditions. Invitae Evidence Modeling of protein sequence and biophysical properties (such as structural, functional, and spatial information, amino acid conservation, physicochemical variation, residue mobility, and thermodynamic stability) indicates that this missense variant is expected to disrupt AARS protein function with a positive predictive value of 95%. In summary, the available evidence is currently insufficient to determine the role of this variant in disease. Therefore, it has been classified as a Variant of Uncertain Significance.

NM_001605.3(AARS1):c.781G>C (p.Asp261His)

Gene: AARS1 (alanyl-tRNA synthetase 1; minus strand). Cytogenetic location: 16q22.1.
Variant type: single nucleotide variant.
Coding change: c.781G>C on transcript NM_001605.3 (MANE Select); coding-DNA position 781, G replaced by C.
Protein change: p.Asp261His; replaces aspartic acid 261 with histidine.
Molecular consequence: missense variant.
Genome position (GRCh38, 1-based): chr16:70,270,231, C>G on the plus strand (G>C on the coding strand, the complement: AARS1 is on the minus strand). VCF-style: chr16-70270231-C-G. GRCh37 (hg19) VCF-style: chr16-70304134-C-G.
Other names: short protein forms D261H.
Identifiers: ClinVar variation 3661647 (VCV003661647.2).